The following is an entry in ClinVar:

ClinVar aggregate classification (germline): Conflicting classifications of pathogenicity. Review status: criteria provided, conflicting classifications (1 of 4 stars). 3 submissions from 3 submitters: Uncertain significance (1); Benign (1); Likely benign (1). Last evaluated 2025-12-29.

Conditions:
Renal cell carcinoma. Identifiers: Orphanet 217071, MedGen C0007134, MeSH D002292, MONDO:0005086, HP:0005584.
Hereditary cancer-predisposing syndrome. Also called: Neoplastic Syndromes, Hereditary; Hereditary Cancer Syndrome; Tumor predisposition; Hereditary neoplastic syndrome. Identifiers: Orphanet 140162, MedGen C0027672, MeSH D009386, MONDO:0015356.

Allele frequency attached by ClinVar (database versions not stated): 1000 Genomes Project 30x 0.00016.
gnomAD v4.1: 68 of 1,613,592 alleles (0.0042%); highest among the groups gnomAD compares: South Asian, 0.072%; 1 homozygote.

Submissions (3):

Labcorp Genetics (formerly Invitae), Labcorp
Classification: Likely benign for Renal cell carcinoma. Last evaluated: 2025-12-29. Review status: criteria provided, single submitter. Criteria: Invitae Variant Classification Sherloc (09022015). Collection method: clinical testing. Allele origin: germline.

Ambry Genetics
Classification: Benign for Hereditary cancer-predisposing syndrome. Last evaluated: 2025-09-24. Review status: criteria provided, single submitter. Criteria: Ambry Variant Classification Scheme 2023. Collection method: clinical testing. Allele origin: germline.

GeneDx
Classification: Uncertain significance. Last evaluated: 2023-12-01. Review status: criteria provided, single submitter. Criteria: GeneDx Variant Classification Process June 2021. Collection method: clinical testing. Allele origin: germline. Affected: yes.
Comment: In silico analysis supports that this missense variant does not alter protein structure/function; Has not been previously published as pathogenic or benign to our knowledge

NM_000245.4(MET):c.1896G>T (p.Lys632Asn)

Gene: MET (MET proto-oncogene, receptor tyrosine kinase; plus strand). Cytogenetic location: 7q31.2.
Variant type: single nucleotide variant.
Coding change: c.1896G>T on transcript NM_000245.4 (MANE Select); coding-DNA position 1896, G replaced by T.
Protein change: p.Lys632Asn; replaces lysine 632 with asparagine.
Molecular consequence: missense variant.
Genome position (GRCh38, 1-based): chr7:116,757,470, G>T. VCF-style: chr7-116757470-G-T. GRCh37 (hg19) VCF-style: chr7-116397524-G-T.
Other names: c.1896G>T, p.Lys632Asn (NM_001127500.3, NM_001324401.3); c.606G>T, p.Lys202Asn (NM_001324402.2); short protein forms K202N, K632N.
Identifiers: ClinVar variation 706832 (VCV000706832.15), dbSNP rs749484691, ClinGen allele CA4448317.